The following is an entry in ClinVar:

NM_020338.4(ZMIZ1):c.2932C>T (p.His978Tyr)

Gene: ZMIZ1 (zinc finger MIZ-type containing 1; plus strand). Cytogenetic location: 10q22.3.
Variant type: single nucleotide variant.
Coding change: c.2932C>T on transcript NM_020338.4 (MANE Select); coding-DNA position 2932, C replaced by T.
Protein change: p.His978Tyr; replaces histidine 978 with tyrosine.
Molecular consequence: missense variant.
Genome position (GRCh38, 1-based): chr10:79,311,020, C>T. VCF-style: chr10-79311020-C-T. GRCh37 (hg19) VCF-style: chr10-81070777-C-T.
Other names: short protein forms H978Y.
Identifiers: ClinVar variation 2881740 (VCV002881740.3), dbSNP rs2492252512, ClinGen allele CA377344411.

ClinVar aggregate classification (germline): Uncertain significance (1 of 4 stars; one submission).

Submission:

Labcorp Genetics (formerly Invitae), Labcorp
Classification: Uncertain significance. Last evaluated: 2024-12-22. Review status: criteria provided, single submitter. Criteria: Invitae Variant Classification Sherloc (09022015). Collection method: clinical testing. Allele origin: germline.
Comment: This sequence change replaces histidine, which is basic and polar, with tyrosine, which is neutral and polar, at codon 978 of the ZMIZ1 protein (p.His978Tyr). This variant is not present in population databases (gnomAD no frequency). This variant has not been reported in the literature in individuals affected with ZMIZ1-related conditions. ClinVar contains an entry for this variant (Variation ID: 2881740). Invitae Evidence Modeling of protein sequence and biophysical properties (such as structural, functional, and spatial information, amino acid conservation, physicochemical variation, residue mobility, and thermodynamic stability) has been performed for this missense variant. However, the output from this modeling did not meet the statistical confidence thresholds required to predict the impact of this variant on ZMIZ1 protein function. In summary, the available evidence is currently insufficient to determine the role of this variant in disease. Therefore, it has been classified as a Variant of Uncertain Significance.